The following is an entry in ClinVar:

ClinVar aggregate classification (germline): Pathogenic (1 of 4 stars; one submission).

Conditions:
Mucopolysaccharidosis type 6 (MPS6). Also called: ARSB DEFICIENCY; ARYLSULFATASE B DEFICIENCY; MPS VI; MPS 6; Maroteaux Lamy syndrome; N-ACETYLGALACTOSAMINE-4-SULFATASE DEFICIENCY. Identifiers: Orphanet 583, MedGen C0026709, MONDO:0009661, OMIM 253200.

Submission:

Labcorp Genetics (formerly Invitae), Labcorp
Classification: Pathogenic for Mucopolysaccharidosis type 6. Last evaluated: 2022-12-16. Review status: criteria provided, single submitter. Criteria: Invitae Variant Classification Sherloc (09022015). Collection method: clinical testing. Allele origin: germline.
Comment: This sequence change creates a premature translational stop signal (p.Gln239*) in the ARSB gene. It is expected to result in an absent or disrupted protein product. Loss-of-function variants in ARSB are known to be pathogenic (PMID: 17458871, 22133300). This variant is not present in population databases (gnomAD no frequency). This variant has not been reported in the literature in individuals affected with ARSB-related conditions. Algorithms developed to predict the effect of sequence changes on RNA splicing suggest that this variant may disrupt the consensus splice site. For these reasons, this variant has been classified as Pathogenic.

Literature cited by the submitters: PubMed 17458871; PubMed 22133300.

NM_000046.5(ARSB):c.715C>T (p.Gln239Ter)

Gene: ARSB (arylsulfatase B; minus strand). Cytogenetic location: 5q14.1.
Variant type: single nucleotide variant.
Coding change: c.715C>T on transcript NM_000046.5 (MANE Select); coding-DNA position 715, C replaced by T.
Protein change: p.Gln239Ter; replaces glutamine 239 with a stop codon.
Molecular consequence: nonsense.
Genome position (GRCh38, 1-based): chr5:78,955,478, G>A on the plus strand (C>T on the coding strand, the complement: ARSB is on the minus strand). VCF-style: chr5-78955478-G-A. GRCh37 (hg19) VCF-style: chr5-78251301-G-A.
Other names: c.715C>T, p.Gln239Ter (NM_198709.3); short protein forms Q239*.
Identifiers: ClinVar variation 2821364 (VCV002821364.3), dbSNP rs2479696245, ClinGen allele CA360192306.